The following is an entry in ClinVar:

NM_001083961.2(WDR62):c.4355G>A (p.Arg1452Gln)

Gene: WDR62 (WD repeat domain 62; plus strand). Cytogenetic location: 19q13.12.
Variant type: single nucleotide variant.
Coding change: c.4355G>A on transcript NM_001083961.2 (MANE Select); coding-DNA position 4355, G replaced by A.
Protein change: p.Arg1452Gln; replaces arginine 1452 with glutamine.
Molecular consequence: missense variant.
Genome position (GRCh38, 1-based): chr19:36,104,811, G>A. VCF-style: chr19-36104811-G-A. GRCh37 (hg19) VCF-style: chr19-36595713-G-A.
Other names: c.4340G>A, p.Arg1447Gln (NM_173636.5); c.4355G>A (NM_001083961.1); short protein forms R1447Q, R1452Q.
Identifiers: ClinVar variation 1420486 (VCV001420486.7), dbSNP rs143299941, ClinGen allele CA9396558.

ClinVar aggregate classification (germline): Conflicting classifications of pathogenicity. Review status: criteria provided, conflicting classifications (1 of 4 stars). 2 submissions from 2 submitters: Uncertain significance (1); Likely benign (1). Last evaluated 2024-10-25.

Conditions:
Inborn genetic diseases. Identifiers: MedGen C0950123, MeSH D030342.

Allele frequency attached by ClinVar (database versions not stated): ExAC 0.00005; gnomAD 0.00005 and 0.00007; gnomAD exomes 0.00005 and 0.00007; TOPMed 0.00007; ESP Exome Variant Server 0.00015.

Submissions (2):

Ambry Genetics
Classification: Likely benign for Inborn genetic diseases. Last evaluated: 2024-10-25. Review status: criteria provided, single submitter. Criteria: Ambry Variant Classification Scheme 2023. Collection method: clinical testing. Allele origin: germline.

Labcorp Genetics (formerly Invitae), Labcorp
Classification: Uncertain significance. Last evaluated: 2022-07-21. Review status: criteria provided, single submitter. Criteria: Invitae Variant Classification Sherloc (09022015). Collection method: clinical testing. Allele origin: germline.
Comment: This sequence change replaces arginine, which is basic and polar, with glutamine, which is neutral and polar, at codon 1452 of the WDR62 protein (p.Arg1452Gln). This variant is present in population databases (rs143299941, gnomAD 0.02%). This variant has not been reported in the literature in individuals affected with WDR62-related conditions. ClinVar contains an entry for this variant (Variation ID: 1420486). Algorithms developed to predict the effect of missense changes on protein structure and function output the following: SIFT: "Tolerated"; PolyPhen-2: "Benign"; Align-GVGD: "Class C0". The glutamine amino acid residue is found in multiple mammalian species, which suggests that this missense change does not adversely affect protein function. In summary, the available evidence is currently insufficient to determine the role of this variant in disease. Therefore, it has been classified as a Variant of Uncertain Significance.